The following is an entry in ClinVar:

ClinVar aggregate classification (germline): Uncertain significance (1 of 4 stars; one submission).

Allele frequency attached by ClinVar (database versions not stated): gnomAD exomes below 0.00001; gnomAD 0.00001; TOPMed 0.00001.
gnomAD v4.1: 8 of 1,614,068 alleles (0.0005%); highest among the groups gnomAD compares: East Asian, 0.0022%; no homozygotes.

Submission:

Ambry Genetics
Classification: Uncertain significance. Last evaluated: 2024-04-05. Review status: criteria provided, single submitter. Criteria: Ambry Variant Classification Scheme 2023. Collection method: clinical testing. Allele origin: germline.
Comment: The p.M397T variant (also known as c.1190T>C), located in coding exon 10 of the BUB1 gene, results from a T to C substitution at nucleotide position 1190. The methionine at codon 397 is replaced by threonine, an amino acid with similar properties. This amino acid position is conserved. In addition, this alteration is predicted to be tolerated by in silico analysis. Since supporting evidence is limited at this time, the clinical significance of this alteration remains unclear.

NM_004336.5(BUB1):c.1190T>C (p.Met397Thr)

Gene: BUB1 (BUB1 mitotic checkpoint serine/threonine kinase; minus strand). Cytogenetic location: 2q13.
Variant type: single nucleotide variant.
Coding change: c.1190T>C on transcript NM_004336.5 (MANE Select); coding-DNA position 1190, T replaced by C.
Protein change: p.Met397Thr; replaces methionine 397 with threonine.
Molecular consequence: missense variant.
Genome position (GRCh38, 1-based): chr2:110,661,609, A>G on the plus strand (T>C on the coding strand, the complement: BUB1 is on the minus strand). VCF-style: chr2-110661609-A-G. GRCh37 (hg19) VCF-style: chr2-111419186-A-G.
Other names: c.1130T>C, p.Met377Thr (NM_001278616.2); c.1190T>C, p.Met397Thr (NM_001278617.2); short protein forms M377T, M397T.
Identifiers: ClinVar variation 1744817 (VCV001744817.3), dbSNP rs1690097656, ClinGen allele CA348214228.